The following is an entry in ClinVar:

NM_002332.3(LRP1):c.8893-5T>C

Gene: LRP1 (LDL receptor related protein 1; plus strand). Cytogenetic location: 12q13.3.
Variant type: single nucleotide variant.
Coding change: c.8893-5T>C on transcript NM_002332.3 (MANE Select); 5 bases into the intron before coding-DNA position 8893, T replaced by C.
Molecular consequence: intron variant.
Genome position (GRCh38, 1-based): chr12:57,196,977, T>C. VCF-style: chr12-57196977-T-C. GRCh37 (hg19) VCF-style: chr12-57590760-T-C.
Identifiers: ClinVar variation 731708 (VCV000731708.4), dbSNP rs199813820, ClinGen allele CA6644541.

ClinVar aggregate classification (germline): Likely benign. Review status: criteria provided, multiple submitters, no conflicts (2 of 4 stars). 2 submissions from 2 submitters: Likely benign (2). Last evaluated 2026-09-01.

Allele frequency attached by ClinVar (database versions not stated): 1000 Genomes Project 30x 0.00031; 1000 Genomes Project 0.00040; ESP Exome Variant Server 0.00046; gnomAD 0.00053 and 0.00056; TOPMed 0.00055; gnomAD exomes 0.00060 and 0.00080; ExAC 0.00061.
gnomAD v4.1: 1,260 of 1,607,170 alleles (0.078%); highest among the groups gnomAD compares: South Asian, 0.13%; no homozygotes.

Submissions (2):

CeGaT Center for Human Genetics Tuebingen
Classification: Likely benign. Last evaluated: 2026-09-01. Review status: criteria provided, single submitter. Criteria: CeGaT Center For Human Genetics Tuebingen Variant Classification Criteria Version 2. Collection method: clinical testing. Allele origin: germline. Affected: yes. Observed: 1 variant allele.
Comment: LRP1: BP4

Labcorp Genetics (formerly Invitae), Labcorp
Classification: Likely benign. Last evaluated: 2018-07-05. Review status: criteria provided, single submitter. Criteria: Invitae Variant Classification Sherloc (09022015). Collection method: clinical testing. Allele origin: germline.